The following is an entry in ClinVar:

ClinVar aggregate classification (germline): Uncertain significance. Review status: criteria provided, multiple submitters, no conflicts (2 of 4 stars). 2 submissions from 2 submitters: Uncertain significance (2). Last evaluated 2025-12-01.

Conditions:
Inborn genetic diseases. Identifiers: MedGen C0950123, MeSH D030342.

Allele frequency attached by ClinVar (database versions not stated): ExAC 0.00002; gnomAD exomes 0.00002; TOPMed 0.00002.
gnomAD v4.1: 25 of 1,613,838 alleles (0.0015%); highest among the groups gnomAD compares: Middle Eastern, 0.017%; no homozygotes.

Submissions (2):

Labcorp Genetics (formerly Invitae), Labcorp
Classification: Uncertain significance. Last evaluated: 2025-12-01. Review status: criteria provided, single submitter. Criteria: Invitae Variant Classification Sherloc (09022015). Collection method: clinical testing. Allele origin: germline.
Comment: This sequence change replaces aspartic acid, which is acidic and polar, with glutamic acid, which is acidic and polar, at codon 288 of the ADK protein (p.Asp288Glu). This variant is present in population databases (rs760003028, gnomAD 0.01%). This variant has not been reported in the literature in individuals affected with ADK-related conditions. ClinVar contains an entry for this variant (Variation ID: 1398425). Invitae Evidence Modeling of protein sequence and biophysical properties (such as structural, functional, and spatial information, amino acid conservation, physicochemical variation, residue mobility, and thermodynamic stability) indicates that this missense variant is not expected to disrupt ADK protein function with a negative predictive value of 80%. In summary, the available evidence is currently insufficient to determine the role of this variant in disease. Therefore, it has been classified as a Variant of Uncertain Significance.

Ambry Genetics
Classification: Uncertain significance for Inborn genetic diseases. Last evaluated: 2025-01-08. Review status: criteria provided, single submitter. Criteria: Ambry Variant Classification Scheme 2023. Collection method: clinical testing. Allele origin: germline.

NM_006721.4(ADK):c.915C>G (p.Asp305Glu)

Gene: ADK (adenosine kinase; plus strand). Cytogenetic location: 10q22.2.
Variant type: single nucleotide variant.
Coding change: c.915C>G on transcript NM_006721.4 (MANE Select); coding-DNA position 915, C replaced by G.
Protein change: p.Asp305Glu; replaces aspartic acid 305 with glutamic acid.
Molecular consequence: missense variant.
Genome position (GRCh38, 1-based): chr10:74,670,220, C>G. VCF-style: chr10-74670220-C-G. GRCh37 (hg19) VCF-style: chr10-76429978-C-G.
Other names: c.864C>G, p.Asp288Glu (NM_001123.4); c.810C>G, p.Asp270Glu (NM_001202449.2); c.744C>G, p.Asp248Glu (NM_001202450.2); c.800C>G, p.Thr267Ser (NM_001369123.1); c.693C>G, p.Asp231Glu (NM_001369124.1); c.915C>G (NM_006721.3); short protein forms D248E, D270E, T267S, D231E, D288E, D305E.
Identifiers: ClinVar variation 1398425 (VCV001398425.8), dbSNP rs760003028, ClinGen allele CA5564105.
Genomic context (GRCh38, chr10:74,670,220, plus strand): 5'-CCTTTCTTTGGCTCTAATTGCAGAAAGTGAAGTCACTGCTTTTGCTGTCTTGGATCAAGA[C>G]CAGAAAGAAATTATTGATACCAATGGAGCTGGAGATGCATTTGTTGGAGGTACAGACTAA-3'
Protein context (NP_006712.2, residues 295-315): EVTAFAVLDQ[Asp305Glu]QKEIIDTNGA